The following is an entry in ClinVar:

ClinVar aggregate classification (germline): Likely pathogenic (1 of 4 stars; one submission).

Submissions (2):

GeneDx
Classification: Likely pathogenic. Last evaluated: 2015-10-02. Review status: criteria provided, single submitter. Criteria: GeneDx Variant Classification (06012015). Collection method: clinical testing. Allele origin: germline. Affected: yes.
Comment: The G528S variant in the CASK gene has not been published as a pathogenic variant, nor has it been reported as a benign polymorphism to our knowledge. The G528S variant was not observed in approximately 6500 individuals of European and African American ancestry in the NHLBI Exome Sequencing Project, indicating it is not a common benign variant in these populations. The G528S variant is a non-conservative amino acid substitution, which is likely to impact secondary protein structure as these residues differ in polarity, charge, size and/or other properties. This substitution occurs at a position that is conserved across species. However, in silico analysis is inconsistent in its predictions as to whether or not the variant is damaging to the protein structure/function. The G528S variant is a strong candidate for a pathogenic variant; however the possibility it may be a rare benign variant cannot be excluded.

Dr. Peter K. Rogan Lab, Western University
No classification provided (evidence only). Condition: Nonpapillary renal cell carcinoma. Review status: no classification provided. Collection method: in vitro. Allele origin: not applicable. Functional consequence: retained intron. Not counted in ClinVar's aggregate classification.

NM_001367721.1(CASK):c.1582G>A (p.Gly528Ser)

Gene: CASK (calcium/calmodulin dependent serine protein kinase; minus strand). Cytogenetic location: Xp11.4.
Variant type: single nucleotide variant.
Coding change: c.1582G>A on transcript NM_001367721.1 (MANE Select); coding-DNA position 1582, G replaced by A.
Protein change: p.Gly528Ser; replaces glycine 528 with serine.
Molecular consequence: missense variant.
Genome position (GRCh38, 1-based): chrX:41,569,668, C>T on the plus strand (G>A on the coding strand, the complement: CASK is on the minus strand). VCF-style: chrX-41569668-C-T. GRCh37 (hg19) VCF-style: chrX-41428921-C-T.
Other names: NC_000023.10:g.41428921C>T; c.1582G>A, p.Gly528Ser (NM_001126054.3, NM_003688.4); c.1564G>A, p.Gly522Ser (NM_001126055.3, NM_001410745.1); short protein forms G528S, G522S.
Identifiers: ClinVar variation 372683 (VCV000372683.2), dbSNP rs1057517923, ClinGen allele CA16043274.
Genomic context (GRCh38, chrX:41,569,668, plus strand): 5'-ACTAGGCTACAGGGAAAAAAAATTAAGGAAGGCAAAGAAAGAAATATATATGAAACTTAC[C>T]TTGCCTGTGAATCATGCCCCCATGCATAATTCTTGCAACAATACAATGATTTAGTTCATT-3'
Protein context (NP_001354650.1, residues 518-538): IMHGGMIHRQ[Gly528Ser]TLHVGDEIRE